The following is an entry in ClinVar:

NM_015158.5(KANK1):c.1943G>A (p.Arg648Gln)

Gene: KANK1 (KN motif and ankyrin repeat domains 1; plus strand). Cytogenetic location: 9p24.3.
Variant type: single nucleotide variant.
Coding change: c.1943G>A on transcript NM_015158.5 (MANE Select); coding-DNA position 1943, G replaced by A.
Protein change: p.Arg648Gln; replaces arginine 648 with glutamine.
Molecular consequence: missense variant. On other transcripts: non-coding transcript variant (1).
Genome position (GRCh38, 1-based): chr9:712,709, G>A. VCF-style: chr9-712709-G-A. GRCh37 (hg19) VCF-style: chr9-712709-G-A.
Other names: c.1943G>A (NM_015158.2); c.1943G>A, p.Arg648Gln (NM_001256876.3, NM_001256877.3, NM_001354331.2 and 2 more transcripts); c.1469G>A, p.Arg490Gln (NM_001354333.2, NM_001354335.2, NM_001354336.2 and 9 more transcripts); short protein forms R490Q, R648Q.
Identifiers: ClinVar variation 1446336 (VCV001446336.10), dbSNP rs575779520, ClinGen allele CA4960369.

ClinVar aggregate classification (germline): Conflicting classifications of pathogenicity. Review status: criteria provided, conflicting classifications (1 of 4 stars). 3 submissions from 3 submitters: Uncertain significance (2); Likely benign (1). Last evaluated 2024-09-26.

Conditions:
Cerebral palsy, spastic quadriplegic, 2 (CPSQ2). Identifiers: Orphanet 210141, MedGen C2752061, MONDO:0013033, OMIM 612900.

Allele frequency attached by ClinVar (database versions not stated): TOPMed 0.00004; ExAC 0.00005; gnomAD exomes 0.00005; gnomAD 0.00006; 1000 Genomes Project 30x 0.00016; 1000 Genomes Project 0.00020.
gnomAD v4.1: 81 of 1,613,876 alleles (0.005%); highest among the groups gnomAD compares: East Asian, 0.0067%; no homozygotes.

Submissions (3):

Ambry Genetics
Classification: Likely benign. Last evaluated: 2024-09-26. Review status: criteria provided, single submitter. Criteria: Ambry Variant Classification Scheme 2023. Collection method: clinical testing. Allele origin: germline.

Labcorp Genetics (formerly Invitae), Labcorp
Classification: Uncertain significance. Last evaluated: 2024-02-03. Review status: criteria provided, single submitter. Criteria: Invitae Variant Classification Sherloc (09022015). Collection method: clinical testing. Allele origin: germline.
Comment: This sequence change replaces arginine, which is basic and polar, with glutamine, which is neutral and polar, at codon 648 of the KANK1 protein (p.Arg648Gln). This variant is present in population databases (rs575779520, gnomAD 0.009%). This variant has not been reported in the literature in individuals affected with KANK1-related conditions. ClinVar contains an entry for this variant (Variation ID: 1446336). Advanced modeling of protein sequence and biophysical properties (such as structural, functional, and spatial information, amino acid conservation, physicochemical variation, residue mobility, and thermodynamic stability) performed at Invitae indicates that this missense variant is not expected to disrupt KANK1 protein function with a negative predictive value of 80%. In summary, the available evidence is currently insufficient to determine the role of this variant in disease. Therefore, it has been classified as a Variant of Uncertain Significance.

Fulgent Genetics
Classification: Uncertain significance for Cerebral palsy, spastic quadriplegic, 2. Last evaluated: 2022-01-25. Review status: criteria provided, single submitter. Criteria: ACMG Guidelines, 2015. Collection method: clinical testing. Allele origin: unknown.